The following is an entry in ClinVar:

NM_001110556.2(FLNA):c.6677dup (p.Gln2227fs)

Gene: FLNA (filamin A; minus strand). Cytogenetic location: Xq28.
Variant type: Duplication.
Coding change: c.6677dup on transcript NM_001110556.2 (MANE Select); coding-DNA position 6677, one base duplicated (T; older notation c.6677dupT).
Protein change: p.Gln2227fs; shifts the reading frame from glutamine 2227.
Molecular consequence: frameshift variant.
Genome position (GRCh38, 1-based): chrX:154,352,273, A duplicated on the plus strand (T on the coding strand, the reverse complement: FLNA is on the minus strand); the first of 2 consecutive A bases (chrX:154,352,273-154,352,274); duplicating either gives the same sequence. VCF-style (leftmost placement, unchanged base first): chrX-154352272-G-GA. GRCh37 (hg19) VCF-style: chrX-153580640-G-GA.
Other names: c.6653dup, p.Gln2219fs (NM_001456.4); short protein forms Q2219fs, Q2227fs.
Identifiers: ClinVar variation 1071106 (VCV001071106.7), dbSNP rs2148103917, ClinGen allele CA2499226481.
Genomic context (GRCh38, chrX:154,352,272, plus strand): 5'-AGGGCCCCCAGCTCGGACCTTGTGGGCTCCCCCTTCCCCTAGGGGCCCCACGGTGAACTG[G>GA]AAGGGGCTCCCAGGCACGTGCTGGCCCTTGTACTTCACGCTGACTGTGTGTGTGCCCATC-3'

ClinVar aggregate classification (germline): Pathogenic (1 of 4 stars; one submission).

Conditions:
Heterotopia, periventricular, X-linked dominant (PVNH1). Also called: PERIVENTRICULAR NODULAR HETEROTOPIA 1; X-linked periventricular heterotopia; PERIVENTRICULAR NODULAR HETEROTOPIA 4; HETEROTOPIA, PERIVENTRICULAR, 1. Identifiers: Orphanet 2149, Orphanet 82004, MedGen C1848213, MONDO:0010233, OMIM 300049.
Oto-palato-digital syndrome, type II (OPD2). Also called: OPD II SYNDROME; FACIOPALATOOSSEOUS SYNDROME; Otopalatodigital Syndrome, Type II; Otopalatodigital Syndrome Type 2 (FLNA-OPD2). Identifiers: Orphanet 669, Orphanet 90652, MedGen C1844696, MONDO:0010571, OMIM 304120.
Melnick-Needles syndrome (MNS). Also called: MELNICK-NEEDLES OSTEODYSPLASTY; OSTEODYSPLASTY OF MELNICK AND NEEDLES; Melnick-Needles Syndrome (FLNA-MNS). Identifiers: Orphanet 2484, MedGen C0025237, MONDO:0010650, OMIM 309350.
Frontometaphyseal dysplasia (FMD1). Identifiers: Orphanet 1826, MedGen C0265293, MONDO:0015942.

Submission:

Labcorp Genetics (formerly Invitae), Labcorp
Classification: Pathogenic for Oto-palato-digital syndrome, type II; Heterotopia, periventricular, X-linked dominant; Frontometaphyseal dysplasia; Melnick-Needles syndrome. Last evaluated: 2023-11-10. Review status: criteria provided, single submitter. Criteria: Invitae Variant Classification Sherloc (09022015). Collection method: clinical testing. Allele origin: germline.
Comment: This sequence change creates a premature translational stop signal (p.Gln2219Profs*26) in the FLNA gene. It is expected to result in an absent or disrupted protein product. Loss-of-function variants in FLNA are known to be pathogenic (PMID: 16684786, 20730588, 26471271). This variant is not present in population databases (gnomAD no frequency). This variant has not been reported in the literature in individuals affected with FLNA-related conditions. ClinVar contains an entry for this variant (Variation ID: 1071106). For these reasons, this variant has been classified as Pathogenic.

Literature cited by the submitters: PubMed 16684786; PubMed 20730588; PubMed 26471271.